The following is an entry in ClinVar:

ClinVar aggregate classification (germline): Uncertain significance (1 of 4 stars; one submission).

Conditions:
Inborn genetic diseases. Identifiers: MedGen C0950123, MeSH D030342.

gnomAD v4.1: 2 of 1,613,784 alleles (0.00012%); highest among the groups gnomAD compares: African/African-American, 0.0027%; no homozygotes.

Submission:

Ambry Genetics
Classification: Uncertain significance for Inborn genetic diseases. Last evaluated: 2025-08-15. Review status: criteria provided, single submitter. Criteria: Ambry Variant Classification Scheme 2023. Collection method: clinical testing. Allele origin: germline.
Comment: The p.E1027D variant (also known as c.3081G>C), located in coding exon 14 of the FANCM gene, results from a G to C substitution at nucleotide position 3081. The glutamic acid at codon 1027 is replaced by aspartic acid, an amino acid with highly similar properties. This amino acid position is conserved. In addition, this alteration is predicted to be tolerated by in silico analysis. Based on the available evidence, the clinical significance of this variant remains unclear.

NM_020937.4(FANCM):c.3081G>C (p.Glu1027Asp)

Gene: FANCM (FA complementation group M; plus strand). Cytogenetic location: 14q21.2.
Variant type: single nucleotide variant.
Coding change: c.3081G>C on transcript NM_020937.4 (MANE Select); coding-DNA position 3081, G replaced by C.
Protein change: p.Glu1027Asp; replaces glutamic acid 1027 with aspartic acid.
Molecular consequence: missense variant.
Genome position (GRCh38, 1-based): chr14:45,175,835, G>C. VCF-style: chr14-45175835-G-C. GRCh37 (hg19) VCF-style: chr14-45645038-G-C.
Other names: c.3003G>C, p.Glu1001Asp (NM_001308133.2); short protein forms E1001D, E1027D.
Identifiers: ClinVar variation 4254676 (VCV004254676.1).